The following is an entry in ClinVar:

NM_024529.5(CDC73):c.1438T>G (p.Tyr480Asp)

Gene: CDC73 (cell division cycle 73; plus strand). Cytogenetic location: 1q31.2.
Variant type: single nucleotide variant.
Coding change: c.1438T>G on transcript NM_024529.5 (MANE Select); coding-DNA position 1438, T replaced by G.
Protein change: p.Tyr480Asp; replaces tyrosine 480 with aspartic acid.
Molecular consequence: missense variant.
Genome position (GRCh38, 1-based): chr1:193,249,750, T>G. VCF-style: chr1-193249750-T-G. GRCh37 (hg19) VCF-style: chr1-193218880-T-G.
Other names: short protein forms Y480D.
Identifiers: ClinVar variation 462748 (VCV000462748.11), dbSNP rs1553292962, ClinGen allele CA344078378.

ClinVar aggregate classification (germline): Uncertain significance. Review status: criteria provided, multiple submitters, no conflicts (2 of 4 stars). 2 submissions from 2 submitters: Uncertain significance (2). Last evaluated 2023-09-14.

Conditions:
Hereditary cancer-predisposing syndrome. Also called: Neoplastic Syndromes, Hereditary; Hereditary Cancer Syndrome; Hereditary neoplastic syndrome; Tumor predisposition. Identifiers: Orphanet 140162, MedGen C0027672, MeSH D009386, MONDO:0015356.
Parathyroid carcinoma (PRTC). Also called: CDC73-Related Parathyroid Carcinoma; Parathyroid gland carcinoma. Identifiers: Orphanet 143, MedGen C0687150, MONDO:0012004, OMIM 608266, HP:0006780.

Submissions (2):

Ambry Genetics
Classification: Uncertain significance for Hereditary cancer-predisposing syndrome. Last evaluated: 2023-09-14. Review status: criteria provided, single submitter. Criteria: Ambry Variant Classification Scheme 2023. Collection method: clinical testing. Allele origin: germline.
Comment: The p.Y480D variant (also known as c.1438T>G), located in coding exon 16 of the CDC73 gene, results from a T to G substitution at nucleotide position 1438. The tyrosine at codon 480 is replaced by aspartic acid, an amino acid with highly dissimilar properties. This amino acid position is conserved. In addition, this alteration is predicted to be deleterious by in silico analysis. Since supporting evidence is limited at this time, the clinical significance of this alteration remains unclear.

Labcorp Genetics (formerly Invitae), Labcorp
Classification: Uncertain significance for Parathyroid carcinoma. Last evaluated: 2023-08-02. Review status: criteria provided, single submitter. Criteria: Invitae Variant Classification Sherloc (09022015). Collection method: clinical testing. Allele origin: germline.
Comment: ClinVar contains an entry for this variant (Variation ID: 462748). Advanced modeling of protein sequence and biophysical properties (such as structural, functional, and spatial information, amino acid conservation, physicochemical variation, residue mobility, and thermodynamic stability) has been performed at Invitae for this missense variant, however the output from this modeling did not meet the statistical confidence thresholds required to predict the impact of this variant on CDC73 protein function. In summary, the available evidence is currently insufficient to determine the role of this variant in disease. Therefore, it has been classified as a Variant of Uncertain Significance. This variant has not been reported in the literature in individuals affected with CDC73-related conditions. This variant is not present in population databases (gnomAD no frequency). This sequence change replaces tyrosine, which is neutral and polar, with aspartic acid, which is acidic and polar, at codon 480 of the CDC73 protein (p.Tyr480Asp).